The following is an entry in ClinVar:

NM_002691.4(POLD1):c.2873T>A (p.Leu958Gln)

Gene: POLD1 (DNA polymerase delta 1, catalytic subunit; plus strand). Cytogenetic location: 19q13.33.
Variant type: single nucleotide variant.
Coding change: c.2873T>A on transcript NM_002691.4 (MANE Select); coding-DNA position 2873, T replaced by A.
Protein change: p.Leu958Gln; replaces leucine 958 with glutamine.
Molecular consequence: missense variant. On other transcripts: non-coding transcript variant (1).
Genome position (GRCh38, 1-based): chr19:50,416,448, T>A. VCF-style: chr19-50416448-T-A. GRCh37 (hg19) VCF-style: chr19-50919705-T-A.
Other names: c.2873T>A, p.Leu958Gln (NM_001256849.1, NM_001438212.1, NM_001438213.1); c.2951T>A, p.Leu984Gln (NM_001308632.1); c.2801T>A, p.Leu934Gln (NM_001438210.1, NM_001438211.1); short protein forms L984Q, L958Q, L934Q.
Identifiers: ClinVar variation 4669319 (VCV004669319.1).
Genomic context (GRCh38, chr19:50,416,448, plus strand): 5'-GGCCGCAGGACCCGCTGTTCGTGCTGGAGCACAGCCTGCCCATTGACACGCAGTACTACC[T>A]GGAGCAGCAGCTGGCCAAGCCCCTCCTGCGCATCTTCGAGCCCATCCTGGGCGAGGGCCG-3'
Protein context (NP_002682.2, residues 948-968): HSLPIDTQYY[Leu958Gln]EQQLAKPLLR

ClinVar aggregate classification (germline): Uncertain significance (1 of 4 stars; one submission).

Conditions:
Hereditary cancer-predisposing syndrome. Also called: Neoplastic Syndromes, Hereditary; Tumor predisposition; Hereditary Cancer Syndrome; Hereditary neoplastic syndrome. Identifiers: Orphanet 140162, MedGen C0027672, MeSH D009386, MONDO:0015356.

Submission:

Ambry Genetics
Classification: Uncertain significance for Hereditary cancer-predisposing syndrome. Last evaluated: 2025-11-15. Review status: criteria provided, single submitter. Criteria: Ambry Variant Classification Scheme 2023. Collection method: clinical testing. Allele origin: germline.
Comment: The p.L958Q variant (also known as c.2873T>A), located in coding exon 22 of the POLD1 gene, results from a T to A substitution at nucleotide position 2873. The leucine at codon 958 is replaced by glutamine, an amino acid with dissimilar properties. This amino acid position is conserved. In addition, the in silico prediction for this alteration is inconclusive. Based on the available evidence, the clinical significance of this variant remains unclear.